The following is an entry in ClinVar:

ClinVar aggregate classification (germline): Pathogenic (1 of 4 stars; one submission).

Conditions:
Hereditary factor VIII deficiency disease (HEMA). Also called: HEMOPHILIA, CLASSIC; AUTOSOMAL HEMOPHILIA A; Hemophilia A; Hemophilia A, congenital; HEM A; Factor 8 deficiency, congenital. Identifiers: Orphanet 98878, MedGen C0019069, MONDO:0010602, OMIM 306700.

Submission:

Women's Health and Genetics/Laboratory Corporation of America, LabCorp
Classification: Pathogenic for Hereditary factor VIII deficiency disease. Last evaluated: 2026-01-19. Review status: criteria provided, single submitter. Criteria: LabCorp Variant Classification Summary - May 2015. Collection method: clinical testing. Allele origin: germline.
Comment: Variant summary: F8 c.200delA (p.Lys67ArgfsX5) results in a premature termination codon, predicted to cause a truncation of the encoded protein or absence of the protein due to nonsense mediated decay, which are commonly known mechanisms for disease. The variant was absent in 183456 control chromosomes. To our knowledge, no occurrence of c.200delA in individuals affected with F8-related conditions and no experimental evidence demonstrating its impact on protein function have been reported. No submitters have cited clinical-significance assessments for this variant to ClinVar. Based on the evidence outlined above, the variant was classified as pathogenic.

NM_000132.4(F8):c.200del (p.Lys67fs)

Gene: F8 (coagulation factor VIII; minus strand). Cytogenetic location: Xq28.
Variant type: Deletion.
Coding change: c.200del on transcript NM_000132.4 (MANE Select); coding-DNA position 200, one base deleted (A; older notation c.200delA).
Protein change: p.Lys67fs; shifts the reading frame from lysine 67.
Molecular consequence: frameshift variant.
Genome position (GRCh38, 1-based): chrX:154,999,544, T deleted on the plus strand (A on the coding strand, the reverse complement: F8 is on the minus strand); the first of 5 consecutive T bases (chrX:154,999,544-154,999,548); deleting any one gives the same sequence. VCF-style (leftmost placement, unchanged base first): chrX-154999543-CT-C. GRCh37 (hg19) VCF-style: chrX-154227818-CT-C.
Other names: c.200delA (NM_000132.4); short protein forms K67fs.
Identifiers: ClinVar variation 4689290 (VCV004689290.1).